The following is an entry in ClinVar:

NM_001017420.3(ESCO2):c.124_125insTTTCTTCA (p.Lys42fs)

Gene: ESCO2 (establishment of sister chromatid cohesion N-acetyltransferase 2; plus strand). Cytogenetic location: 8p21.1.
Variant type: Insertion.
Coding change: c.124_125insTTTCTTCA on transcript NM_001017420.3 (MANE Select); coding-DNA positions 124 to 125, TTTCTTCA inserted.
Protein change: p.Lys42fs; shifts the reading frame from lysine 42.
Molecular consequence: frameshift variant.
Genome position: GRCh38 VCF-style: chr8-27776431-T-TATTTCTTC. GRCh37 (hg19) VCF-style: chr8-27633948-T-TATTTCTTC.
Other names: short protein forms K42fs.
Identifiers: ClinVar variation 2747751 (VCV002747751.3), dbSNP rs2486626369, ClinGen allele CA2697549816.

ClinVar aggregate classification (germline): Pathogenic (1 of 4 stars; one submission).

Submission:

Labcorp Genetics (formerly Invitae), Labcorp
Classification: Pathogenic. Last evaluated: 2023-07-28. Review status: criteria provided, single submitter. Criteria: Invitae Variant Classification Sherloc (09022015). Collection method: clinical testing. Allele origin: germline.
Comment: This variant has not been reported in the literature in individuals affected with ESCO2-related conditions. This variant is not present in population databases (gnomAD no frequency). This sequence change creates a premature translational stop signal (p.Lys42Ilefs*19) in the ESCO2 gene. It is expected to result in an absent or disrupted protein product. Loss-of-function variants in ESCO2 are known to be pathogenic (PMID: 15821733, 16380922). For these reasons, this variant has been classified as Pathogenic.

Literature cited by the submitters: PubMed 15821733; PubMed 16380922.